The following is an entry in ClinVar:

ClinVar aggregate classification (germline): Benign (1 of 4 stars; one submission).

Conditions:
Pseudohypoaldosteronism type 2E (PHA2E). Also called: Pseudohypoaldosteronism Type IIE. Identifiers: Orphanet 300530, Orphanet 757, MedGen C3469606, MONDO:0013782, OMIM 614496.

Allele frequency attached by ClinVar (database versions not stated): gnomAD exomes 0.02789; gnomAD 0.05535 and 0.05780; TOPMed 0.06399; 1000 Genomes Project 0.07987; 1000 Genomes Project 30x 0.08136.
gnomAD v4.1: 10,566 of 230,458 alleles (4.6%); highest among the groups gnomAD compares: African/African-American, 17%; 783 homozygotes.

Submission:

Illumina Laboratory Services, Illumina
Classification: Benign for Pseudohypoaldosteronism type 2E. Last evaluated: 2018-01-13. Review status: criteria provided, single submitter. Criteria: ICSL Variant Classification Criteria 13 December 2019. Collection method: clinical testing. Allele origin: germline.
Comment: This variant was observed in the ICSL laboratory as part of a predisposition screen in an ostensibly healthy population. It had not been previously curated by ICSL or reported in the Human Gene Mutation Database (HGMD: prior to June 1st, 2018), and was therefore a candidate for classification through an automated scoring system. Utilizing variant allele frequency, disease prevalence and penetrance estimates, and inheritance mode, an automated score was calculated to assess if this variant is too frequent to cause the disease. Based on the score and internal cut-off values, a variant classified as benign is not then subjected to further curation. The score for this variant resulted in a classification of benign for this disease.

NM_003590.5(CUL3):c.*2193G>A

Gene: CUL3 (cullin 3; minus strand). Cytogenetic location: 2q36.2.
Variant type: single nucleotide variant.
Coding change: c.*2193G>A on transcript NM_003590.5 (MANE Select); 2193 bases downstream of the stop codon, G replaced by A.
Molecular consequence: 3 prime UTR variant.
Genome position (GRCh38, 1-based): chr2:224,472,052, C>T on the plus strand (G>A on the coding strand, the complement: CUL3 is on the minus strand). VCF-style: chr2-224472052-C-T. GRCh37 (hg19) VCF-style: chr2-225336769-C-T.
Other names: c.*2193G>A (NM_001257197.2, NM_001257198.2).
Identifiers: ClinVar variation 334601 (VCV000334601.6), dbSNP rs73993899, ClinGen allele CA10612928.